The following is an entry in ClinVar:

ClinVar aggregate classification (germline): Uncertain significance (1 of 4 stars; one submission).

Conditions:
Charcot-Marie-Tooth disease type 4. Also called: Charcot-Marie-Tooth, Type 4; Charcot-Marie-Tooth disease, type IV. Identifiers: Orphanet 64749, MedGen C4082197, MONDO:0018995.

Submission:

Labcorp Genetics (formerly Invitae), Labcorp
Classification: Uncertain significance for Charcot-Marie-Tooth disease type 4. Last evaluated: 2020-08-01. Review status: criteria provided, single submitter. Criteria: Invitae Variant Classification Sherloc (09022015). Collection method: clinical testing. Allele origin: germline.
Comment: This variant has not been reported in the literature in individuals with SBF2-related conditions. This variant is not present in population databases (ExAC no frequency). This sequence change replaces alanine with serine at codon 1814 of the SBF2 protein (p.Ala1814Ser). The alanine residue is moderately conserved and there is a moderate physicochemical difference between alanine and serine. Algorithms developed to predict the effect of missense changes on protein structure and function are either unavailable or do not agree on the potential impact of this missense change (SIFT: "Tolerated"; PolyPhen-2: "Probably Damaging"; Align-GVGD: "Class C0"). In summary, the available evidence is currently insufficient to determine the role of this variant in disease. Therefore, it has been classified as a Variant of Uncertain Significance.

NM_030962.4(SBF2):c.5440G>T (p.Ala1814Ser)

Genes: SBF2 (SET binding factor 2; minus strand), SBF2-AS1 (SBF2 antisense RNA 1; plus strand), LOC105369149 (uncharacterized LOC105369149; plus strand). Cytogenetic location: 11p15.4.
Variant type: single nucleotide variant.
Coding change: c.5440G>T on transcript NM_030962.4 (MANE Select); coding-DNA position 5440, G replaced by T.
Protein change: p.Ala1814Ser; replaces alanine 1814 with serine.
Molecular consequence: missense variant.
Genome position (GRCh38, 1-based): chr11:9,781,518, C>A on the plus strand (G>T on the coding strand, the complement: SBF2 is on the minus strand). VCF-style: chr11-9781518-C-A. GRCh37 (hg19) VCF-style: chr11-9803065-C-A.
Other names: c.5536G>T, p.Ala1846Ser (NM_001386339.1); c.5311G>T, p.Ala1771Ser (NM_001386342.1); short protein forms A1814S, A1846S, A1771S.
Identifiers: ClinVar variation 1037506 (VCV001037506.9), dbSNP rs1852005955, ClinGen allele CA379630006.
Genomic context (GRCh38, chr11:9,781,518, plus strand): 5'-AGAATGATGTGCAGACAGAGCCAGGAAAAGAGAAGTAAGATCAACTTACATCAAAGAAAG[C>A]CTTGTCACTTGTGTGCTTTGGGGCTCCCATGCTGGGGCCAGCAGGGATGACCATTTCTAC-3'
Protein context (NP_112224.1, residues 1804-1824): MGAPKHTSDK[Ala1814Ser]FFDLKTSKRV